The following is an entry in ClinVar:

NM_007194.4(CHEK2):c.1272T>A (p.Tyr424Ter)

Gene: CHEK2 (checkpoint kinase 2; minus strand). Cytogenetic location: 22q12.1.
Variant type: single nucleotide variant.
Coding change: c.1272T>A on transcript NM_007194.4 (MANE Select); coding-DNA position 1272, T replaced by A.
Protein change: p.Tyr424Ter; replaces tyrosine 424 with a stop codon.
Molecular consequence: nonsense.
Genome position (GRCh38, 1-based): chr22:28,695,230, A>T on the plus strand (T>A on the coding strand, the complement: CHEK2 is on the minus strand). VCF-style: chr22-28695230-A-T. GRCh37 (hg19) VCF-style: chr22-29091218-A-T.
Other names: c.1401T>A, p.Tyr467Ter (NM_001005735.3); c.609T>A, p.Tyr203Ter (NM_001257387.3); c.1071T>A, p.Tyr357Ter (NM_001349956.3); c.1185T>A, p.Tyr395Ter (NM_145862.3); short protein forms Y357*, Y424*, Y467*, Y395*, Y203*.
Identifiers: ClinVar variation 1765826 (VCV001765826.7), dbSNP rs1257494163, ClinGen allele CA411096309.

ClinVar aggregate classification (germline): Pathogenic. Review status: criteria provided, multiple submitters, no conflicts (2 of 4 stars). 2 submissions from 2 submitters: Pathogenic (2). Last evaluated 2022-02-04.

Conditions:
Hereditary cancer-predisposing syndrome. Also called: Neoplastic Syndromes, Hereditary; Tumor predisposition; Hereditary Cancer Syndrome; Hereditary neoplastic syndrome. Identifiers: Orphanet 140162, MedGen C0027672, MeSH D009386, MONDO:0015356.
Familial cancer of breast. Also called: hereditary breast carcinoma; BREAST CANCER, FAMILIAL; Hereditary breast cancer. Identifiers: Orphanet 227535, MedGen C0346153, MONDO:0016419, OMIM 114480. Disease mechanism: loss of function.

Submissions (2):

Labcorp Genetics (formerly Invitae), Labcorp
Classification: Pathogenic for Familial cancer of breast. Last evaluated: 2022-02-04. Review status: criteria provided, single submitter. Criteria: Invitae Variant Classification Sherloc (09022015). Collection method: clinical testing. Allele origin: germline.
Comment: For these reasons, this variant has been classified as Pathogenic. Algorithms developed to predict the effect of sequence changes on RNA splicing suggest that this variant may create or strengthen a splice site. This variant has not been reported in the literature in individuals affected with CHEK2-related conditions. This variant is not present in population databases (gnomAD no frequency). This sequence change creates a premature translational stop signal (p.Tyr424*) in the CHEK2 gene. It is expected to result in an absent or disrupted protein product. Loss-of-function variants in CHEK2 are known to be pathogenic (PMID: 21876083, 24713400).

Ambry Genetics
Classification: Pathogenic for Hereditary cancer-predisposing syndrome. Last evaluated: 2020-07-31. Review status: criteria provided, single submitter. Criteria: Ambry Variant Classification Scheme 2023. Collection method: clinical testing. Allele origin: germline.
Comment: The p.Y424* pathogenic mutation (also known as c.1272T>A), located in coding exon 11 of the CHEK2 gene, results from a T to A substitution at nucleotide position 1272. This changes the amino acid from a tyrosine to a stop codon within coding exon 11. This alteration is expected to result in loss of function by premature protein truncation or nonsense-mediated mRNA decay. As such, this alteration is interpreted as a disease-causing mutation.

Literature cited by the submitters: PubMed 21876083 (cited by Labcorp Genetics (formerly Invitae), Labcorp); PubMed 24713400 (cited by Labcorp Genetics (formerly Invitae), Labcorp).